The following is an entry in ClinVar:

NM_000264.5(PTCH1):c.197C>T (p.Ser66Phe)

Gene: PTCH1 (patched 1; minus strand). Cytogenetic location: 9q22.32.
Variant type: single nucleotide variant.
Coding change: c.197C>T on transcript NM_000264.5 (MANE Select); coding-DNA position 197, C replaced by T.
Protein change: p.Ser66Phe; replaces serine 66 with phenylalanine.
Molecular consequence: missense variant. On other transcripts: non-coding transcript variant (1), intron variant (3).
Genome position (GRCh38, 1-based): chr9:95,508,165, G>A on the plus strand (C>T on the coding strand, the complement: PTCH1 is on the minus strand). VCF-style: chr9-95508165-G-A. GRCh37 (hg19) VCF-style: chr9-98270447-G-A.
Other names: c.197C>T, p.Ser66Phe (NM_001354918.2); c.199-1566C>T (NM_001083603.3); c.4-1566C>T (NM_001083602.3, NM_001354919.2); short protein forms S66F.
Identifiers: ClinVar variation 1783780 (VCV001783780.6), dbSNP rs1025299062, ClinGen allele CA196555391.

ClinVar aggregate classification (germline): Conflicting classifications of pathogenicity. Review status: criteria provided, conflicting classifications (1 of 4 stars). 2 submissions from 2 submitters: Uncertain significance (1); Likely benign (1). Last evaluated 2025-09-03.

Conditions:
Hereditary cancer-predisposing syndrome. Also called: Tumor predisposition; Neoplastic Syndromes, Hereditary; Hereditary Cancer Syndrome; Hereditary neoplastic syndrome. Identifiers: Orphanet 140162, MedGen C0027672, MeSH D009386, MONDO:0015356.
Gorlin syndrome. Also called: Nevoid Basal Cell Carcinoma Syndrome; Basal cell nevus syndrome. Identifiers: Orphanet 377, MedGen C0004779, MONDO:0007187.

Allele frequency attached by ClinVar (database versions not stated): TOPMed below 0.00001; gnomAD 0.00001.
gnomAD v4.1: 1 of 1,612,620 alleles (0.000062%); highest among the groups gnomAD compares: Non-Finnish European, 0.000085%; no homozygotes.

Submissions (2):

Labcorp Genetics (formerly Invitae), Labcorp
Classification: Likely benign for Gorlin syndrome. Last evaluated: 2025-09-03. Review status: criteria provided, single submitter. Criteria: Invitae Variant Classification Sherloc (09022015). Collection method: clinical testing. Allele origin: germline.

Ambry Genetics
Classification: Uncertain significance for Hereditary cancer-predisposing syndrome. Last evaluated: 2024-11-05. Review status: criteria provided, single submitter. Criteria: Ambry Variant Classification Scheme 2023. Collection method: clinical testing. Allele origin: germline.
Comment: The p.S66F variant (also known as c.197C>T), located in coding exon 1 of the PTCH1 gene, results from a C to T substitution at nucleotide position 197. The serine at codon 66 is replaced by phenylalanine, an amino acid with highly dissimilar properties. This amino acid position is conserved. In addition, the in silico prediction for this alteration is inconclusive. Since supporting evidence is limited at this time, the clinical significance of this alteration remains unclear.